The following is an entry in ClinVar:

NM_000537.4(REN):c.8G>A (p.Gly3Glu)

Genes: REN (renin; minus strand), LOC107548112 (REN promoter and enhancer region; plus strand). Cytogenetic location: 1q32.1.
Variant type: single nucleotide variant.
Coding change: c.8G>A on transcript NM_000537.4 (MANE Select); coding-DNA position 8, G replaced by A.
Protein change: p.Gly3Glu; replaces glycine 3 with glutamic acid.
Molecular consequence: missense variant.
Genome position (GRCh38, 1-based): chr1:204,166,286, C>T on the plus strand (G>A on the coding strand, the complement: REN is on the minus strand). VCF-style: chr1-204166286-C-T. GRCh37 (hg19) VCF-style: chr1-204135414-C-T.
Other names: short protein forms G3E.
Identifiers: ClinVar variation 2713999 (VCV002713999.3), dbSNP rs769289753, ClinGen allele CA1345094.
Genomic context (GRCh38, chr1:204,166,286, plus strand): 5'-CCAAAGGTACAGGAGCCCCAGAGCAGCAGCAGCAGTCCCCAGCGAGGCATCCTTCTCCAT[C>T]CATCCATGCTTCCCTCAGTCTGGGGCTCTCTCTGAGATCCACTGAGGTTCTGTGGCTCCC-3'
Protein context (NP_000528.1, residues 1-13): MD[Gly3Glu]WRRMPRWGLL

ClinVar aggregate classification (germline): Uncertain significance (1 of 4 stars; one submission).

Allele frequency attached by ClinVar (database versions not stated): gnomAD 0.00001; ExAC 0.00002; TOPMed 0.00002; gnomAD exomes 0.00004.
gnomAD v4.1: 56 of 1,614,098 alleles (0.0035%); highest among the groups gnomAD compares: Non-Finnish European, 0.0047%; no homozygotes.

Submission:

Labcorp Genetics (formerly Invitae), Labcorp
Classification: Uncertain significance. Last evaluated: 2023-05-16. Review status: criteria provided, single submitter. Criteria: Invitae Variant Classification Sherloc (09022015). Collection method: clinical testing. Allele origin: germline.
Comment: In summary, the available evidence is currently insufficient to determine the role of this variant in disease. Therefore, it has been classified as a Variant of Uncertain Significance. An algorithm developed to predict the effect of missense changes on protein structure and function (PolyPhen-2) suggests that this variant is likely to be tolerated. This variant has not been reported in the literature in individuals affected with REN-related conditions. This variant is present in population databases (rs769289753, gnomAD 0.006%). This sequence change replaces glycine, which is neutral and non-polar, with glutamic acid, which is acidic and polar, at codon 3 of the REN protein (p.Gly3Glu).